The following is an entry in ClinVar:

NM_004311.4(ARL3):c.169C>T (p.Gln57Ter)

Gene: ARL3 (ARF like GTPase 3; minus strand). Cytogenetic location: 10q24.32.
Variant type: single nucleotide variant.
Coding change: c.169C>T on transcript NM_004311.4 (MANE Select); coding-DNA position 169, C replaced by T.
Protein change: p.Gln57Ter; replaces glutamine 57 with a stop codon.
Molecular consequence: nonsense.
Genome position (GRCh38, 1-based): chr10:102,699,468, G>A on the plus strand (C>T on the coding strand, the complement: ARL3 is on the minus strand). VCF-style: chr10-102699468-G-A. GRCh37 (hg19) VCF-style: chr10-104459225-G-A.
Other names: short protein forms Q57*.
Identifiers: ClinVar variation 1430534 (VCV001430534.6), dbSNP rs2136005327, ClinGen allele CA377922859.

ClinVar aggregate classification (germline): Uncertain significance (1 of 4 stars; one submission).

Allele frequency attached by ClinVar (database versions not stated): gnomAD exomes below 0.00001.
gnomAD v4.1: 1 of 1,608,428 alleles (0.000062%); highest among the groups gnomAD compares: Non-Finnish European, 0.000085%; no homozygotes.

Submission:

Labcorp Genetics (formerly Invitae), Labcorp
Classification: Uncertain significance. Last evaluated: 2021-08-19. Review status: criteria provided, single submitter. Criteria: Invitae Variant Classification Sherloc (09022015). Collection method: clinical testing. Allele origin: germline.
Comment: In summary, the available evidence is currently insufficient to determine the role of this variant in disease. Therefore, it has been classified as a Variant of Uncertain Significance. This variant has not been reported in the literature in individuals affected with ARL3-related conditions. This variant is not present in population databases (ExAC no frequency). This sequence change creates a premature translational stop signal (p.Gln57*) in the ARL3 gene. It is expected to result in an absent or disrupted protein product. However, the current clinical and genetic evidence is not sufficient to establish whether loss-of-function variants in ARL3 cause disease.